The following is an entry in ClinVar:

ClinVar aggregate classification (germline): Uncertain significance (1 of 4 stars; one submission).

Allele frequency attached by ClinVar (database versions not stated): ExAC 0.00003; ESP Exome Variant Server 0.00008.
gnomAD v4.1: 14 of 1,614,044 alleles (0.00087%); highest among the groups gnomAD compares: Middle Eastern, 0.016%; no homozygotes.

Submission:

Labcorp Genetics (formerly Invitae), Labcorp
Classification: Uncertain significance. Last evaluated: 2025-09-02. Review status: criteria provided, single submitter. Criteria: Invitae Variant Classification Sherloc (09022015). Collection method: clinical testing. Allele origin: germline.
Comment: This sequence change replaces isoleucine, which is neutral and non-polar, with arginine, which is basic and polar, at codon 108 of the KANK1 protein (p.Ile108Arg). This variant is present in population databases (rs141194618, gnomAD 0.01%). This variant has not been reported in the literature in individuals affected with KANK1-related conditions. ClinVar contains an entry for this variant (Variation ID: 1908108). An algorithm developed to predict the effect of missense changes on protein structure and function (PolyPhen-2) suggests that this variant is likely to be tolerated. In summary, the available evidence is currently insufficient to determine the role of this variant in disease. Therefore, it has been classified as a Variant of Uncertain Significance.

NM_015158.5(KANK1):c.323T>G (p.Ile108Arg)

Gene: KANK1 (KN motif and ankyrin repeat domains 1; plus strand). Cytogenetic location: 9p24.3.
Variant type: single nucleotide variant.
Coding change: c.323T>G on transcript NM_015158.5 (MANE Select); coding-DNA position 323, T replaced by G.
Protein change: p.Ile108Arg; replaces isoleucine 108 with arginine.
Molecular consequence: missense variant. On other transcripts: 5 prime UTR variant (12), non-coding transcript variant (1).
Genome position (GRCh38, 1-based): chr9:711,089, T>G. VCF-style: chr9-711089-T-G. GRCh37 (hg19) VCF-style: chr9-711089-T-G.
Other names: c.323T>G, p.Ile108Arg (NM_001256876.3, NM_001256877.3, NM_001354331.2 and 2 more transcripts); c.-152T>G (NM_001354333.2, NM_001354335.2, NM_001354336.2 and 9 more transcripts); short protein forms I108R.
Identifiers: ClinVar variation 1908108 (VCV001908108.5), dbSNP rs141194618, ClinGen allele CA4959915.